The following is an entry in ClinVar:

NM_152703.5(SAMD9L):c.4231C>T (p.Arg1411Ter)

Gene: SAMD9L (sterile alpha motif domain containing 9 like; minus strand). Cytogenetic location: 7q21.2.
Variant type: single nucleotide variant.
Coding change: c.4231C>T on transcript NM_152703.5 (MANE Select); coding-DNA position 4231, C replaced by T.
Protein change: p.Arg1411Ter; replaces arginine 1411 with a stop codon.
Molecular consequence: nonsense.
Genome position (GRCh38, 1-based): chr7:93,131,741, G>A on the plus strand (C>T on the coding strand, the complement: SAMD9L is on the minus strand). VCF-style: chr7-93131741-G-A. GRCh37 (hg19) VCF-style: chr7-92761054-G-A.
Other names: c.4231C>T, p.Arg1411Ter (NM_001303496.3, NM_001303497.3, NM_001303498.3 and 5 more transcripts); short protein forms R1411*.
Identifiers: ClinVar variation 2575571 (VCV002575571.4), dbSNP rs4729075, ClinGen allele CA4343335.
Genomic context (GRCh38, chr7:93,131,741, plus strand): 5'-AGGCCAAGAAATAAGGACCTGGATATTGATGACTTAGTCCTACAAATTGCAAGACCTCTC[G>A]GAGTTGTTTTTTTAGCGTGGTAAGTGGTTGAATTAACTTGGAGTTGGGCTTTAGACAACT-3'

ClinVar aggregate classification (germline): Uncertain significance. Review status: criteria provided, multiple submitters, no conflicts (2 of 4 stars). 2 submissions from 2 submitters: Uncertain significance (2). Last evaluated 2025-09-02.

Allele frequency attached by ClinVar (database versions not stated): ExAC 0.00002; gnomAD 0.00002; 1000 Genomes Project 30x 0.00016; gnomAD exomes 0.00001; TOPMed 0.00002; 1000 Genomes Project 0.00020.
gnomAD v4.1: 20 of 1,613,786 alleles (0.0012%); highest among the groups gnomAD compares: African/African-American, 0.004%; no homozygotes.

Submissions (2):

Labcorp Genetics (formerly Invitae), Labcorp
Classification: Uncertain significance. Last evaluated: 2025-09-02. Review status: criteria provided, single submitter. Criteria: Invitae Variant Classification Sherloc (09022015). Collection method: clinical testing. Allele origin: germline.
Comment: This sequence change creates a premature translational stop signal (p.Arg1411*) in the SAMD9L gene. While this is not anticipated to result in nonsense mediated decay, it is expected to disrupt the last 174 amino acid(s) of the SAMD9L protein. This variant is present in population databases (rs4729075, gnomAD 0.003%). This variant has not been reported in the literature in individuals affected with SAMD9L-related conditions. ClinVar contains an entry for this variant (Variation ID: 2575571). Experimental studies and prediction algorithms are not available or were not evaluated, and the functional significance of this variant is currently unknown. In summary, the available evidence is currently insufficient to determine the role of this variant in disease. Therefore, it has been classified as a Variant of Uncertain Significance.

GeneDx
Classification: Uncertain significance. Last evaluated: 2023-02-08. Review status: criteria provided, single submitter. Criteria: GeneDx Variant Classification Process June 2021. Collection method: clinical testing. Allele origin: germline. Affected: yes.
Comment: Not observed at significant frequency in large population cohorts (gnomAD); Nonsense variant predicted to result in protein truncation in a gene or region of a gene for which loss of function is not a well-established mechanism of disease; Has not been previously published as pathogenic or benign to our knowledge; This variant is associated with the following publications: (PMID: 28545555)